The following is an entry in ClinVar:

ClinVar aggregate classification (germline): Uncertain significance (1 of 4 stars; one submission).

Conditions:
Primary familial hypertrophic cardiomyopathy (HCM). Identifiers: Orphanet 99739, MedGen C0949658, MeSH D024741, MONDO:0024573. Inheritance: Various modes of inheritance.

Allele frequency attached by ClinVar (database versions not stated): TOPMed below 0.00001; ExAC 0.00001; gnomAD exomes 0.00001 and 0.00002.
gnomAD v4.1: 11 of 1,614,200 alleles (0.00068%); highest among the groups gnomAD compares: Non-Finnish European, 0.00093%; no homozygotes.

Submission:

Labcorp Genetics (formerly Invitae), Labcorp
Classification: Uncertain significance for Primary familial hypertrophic cardiomyopathy. Last evaluated: 2025-12-08. Review status: criteria provided, single submitter. Criteria: Invitae Variant Classification Sherloc (09022015). Collection method: clinical testing. Allele origin: germline.
Comment: This sequence change falls in intron 9 of the ILK gene. It does not directly change the encoded amino acid sequence of the ILK protein. It affects a nucleotide within the consensus splice site. This variant is present in population databases (rs750836317, gnomAD 0.004%). This variant has not been reported in the literature in individuals affected with ILK-related conditions. ClinVar contains an entry for this variant (Variation ID: 1392527). Variants that disrupt the consensus splice site are a relatively common cause of aberrant splicing (PMID: 17576681, 9536098). Algorithms developed to predict the effect of sequence changes on RNA splicing suggest that this variant is not likely to affect RNA splicing. In summary, the available evidence is currently insufficient to determine the role of this variant in disease. Therefore, it has been classified as a Variant of Uncertain Significance.

Literature cited by the submitters: PubMed 17576681; PubMed 9536098.

NM_004517.4(ILK):c.856+3G>A

Genes: ILK (integrin linked kinase; plus strand), TAF10 (TATA-box binding protein associated factor 10; minus strand). Cytogenetic location: 11p15.4.
Variant type: single nucleotide variant.
Coding change: c.856+3G>A on transcript NM_004517.4 (MANE Select); 3 bases into the intron after coding-DNA position 856, G replaced by A.
Molecular consequence: intron variant. On other transcripts: 3 prime UTR variant (1).
Genome position (GRCh38, 1-based): chr11:6,609,642, G>A. VCF-style: chr11-6609642-G-A. GRCh37 (hg19) VCF-style: chr11-6630873-G-A.
Other names: c.*1280C>T (NM_006284.4); c.856+3G>A (NM_001014795.3, NM_001014794.3); c.673+3G>A (NM_001278441.2); c.454+3G>A (NM_001278442.2).
Identifiers: ClinVar variation 1392527 (VCV001392527.8), dbSNP rs750836317, ClinGen allele CA5858198.